The following is an entry in ClinVar:

ClinVar aggregate classification (germline): Uncertain significance (1 of 4 stars; one submission).

Conditions:
GRN-related frontotemporal lobar degeneration with Tdp43 inclusions (FTD2). Also called: DEMENTIA, HEREDITARY DYSPHASIC DISINHIBITION; FRONTOTEMPORAL LOBAR DEGENERATION WITH UBIQUITIN-POSITIVE INCLUSIONS; FTLD-TDP, GRN-RELATED; GRN Frontotemporal Dementia; FRONTOTEMPORAL DEMENTIA WITH TDP43 INCLUSIONS, GRN-RELATED. Identifiers: Orphanet 100070, Orphanet 282, MedGen C1843792, MONDO:0011842, OMIM 607485. Disease mechanism: loss of function.
Neuronal ceroid lipofuscinosis 11. Also called: GRN-Related Neuronal Ceroid-Lipofuscinosis. Identifiers: Orphanet 314629, Orphanet 79262, MedGen C3539123, MONDO:0013866, OMIM 614706.

Allele frequency attached by ClinVar (database versions not stated): gnomAD 0.00001.

Submission:

Labcorp Genetics (formerly Invitae), Labcorp
Classification: Uncertain significance for Neuronal ceroid lipofuscinosis 11; GRN-related frontotemporal lobar degeneration with Tdp43 inclusions. Last evaluated: 2022-11-28. Review status: criteria provided, single submitter. Criteria: Invitae Variant Classification Sherloc (09022015). Collection method: clinical testing. Allele origin: germline.
Comment: This sequence change replaces aspartic acid, which is acidic and polar, with glutamic acid, which is acidic and polar, at codon 399 of the GRN protein (p.Asp399Glu). This variant is not present in population databases (gnomAD no frequency). This variant has not been reported in the literature in individuals affected with GRN-related conditions. ClinVar contains an entry for this variant (Variation ID: 1480188). Advanced modeling of protein sequence and biophysical properties (such as structural, functional, and spatial information, amino acid conservation, physicochemical variation, residue mobility, and thermodynamic stability) performed at Invitae indicates that this missense variant is expected to disrupt GRN protein function. In summary, the available evidence is currently insufficient to determine the role of this variant in disease. Therefore, it has been classified as a Variant of Uncertain Significance.

NM_002087.4(GRN):c.1197C>A (p.Asp399Glu)

Gene: GRN (granulin precursor; plus strand). Cytogenetic location: 17q21.31.
Variant type: single nucleotide variant.
Coding change: c.1197C>A on transcript NM_002087.4 (MANE Select); coding-DNA position 1197, C replaced by A.
Protein change: p.Asp399Glu; replaces aspartic acid 399 with glutamic acid.
Molecular consequence: missense variant.
Genome position (GRCh38, 1-based): chr17:44,352,032, C>A. VCF-style: chr17-44352032-C-A. GRCh37 (hg19) VCF-style: chr17-42429400-C-A.
Other names: short protein forms D399E.
Identifiers: ClinVar variation 1480188 (VCV001480188.6), dbSNP rs956013468, ClinGen allele CA290926630.